The following is an entry in ClinVar:

ClinVar aggregate classification (germline): Benign/Likely benign. Review status: criteria provided, multiple submitters, no conflicts (2 of 4 stars). 11 submissions from 11 submitters: Benign (3); Likely benign (7). 1 of the submissions does not count toward it. Last evaluated 2026-01-30.

Conditions:
Juvenile polyposis syndrome (JPS). Identifiers: Orphanet 2929, MedGen C0345893, MONDO:0017380, OMIM 174900.
BMPR1A-related disorder. Also called: BMPR1A-related condition.
Polyposis syndrome, hereditary mixed, 2. Identifiers: Orphanet 157794, MedGen C1864730, MONDO:0012405, OMIM 610069.
Hereditary cancer-predisposing syndrome. Also called: Tumor predisposition; Hereditary Cancer Syndrome; Hereditary neoplastic syndrome; Neoplastic Syndromes, Hereditary. Identifiers: Orphanet 140162, MedGen C0027672, MeSH D009386, MONDO:0015356.

Allele frequency attached by ClinVar (database versions not stated): gnomAD 0.00001; TOPMed 0.00002; gnomAD exomes 0.00003 and 0.00015; ExAC 0.00004.
gnomAD v4.1: 218 of 1,613,734 alleles (0.014%); highest among the groups gnomAD compares: Non-Finnish European, 0.018%; 1 homozygote.

Submissions (11):

Labcorp Genetics (formerly Invitae), Labcorp
Classification: Likely benign for Juvenile polyposis syndrome. Last evaluated: 2026-01-30. Review status: criteria provided, single submitter. Criteria: Invitae Variant Classification Sherloc (09022015). Collection method: clinical testing. Allele origin: germline.

Myriad Genetics, Inc.
Classification: Benign for Juvenile polyposis syndrome. Last evaluated: 2024-08-05. Review status: criteria provided, single submitter. Criteria: Myriad Autosomal Dominant, Autosomal Recessive and X-Linked Classification Criteria (2023). Collection method: clinical testing. Allele origin: unknown.
Comment: This variant is considered benign. This variant is a silent/synonymous amino acid change and it is not expected to impact splicing.

Department of Pathology and Laboratory Medicine, Sinai Health System
Classification: Likely benign for Polyposis syndrome, hereditary mixed, 2; Juvenile polyposis syndrome. Last evaluated: 2024-04-09. Review status: criteria provided, single submitter. Criteria: ACMG Guidelines, 2015. Collection method: clinical testing. Allele origin: germline. Affected: yes.

All of Us Research Program, National Institutes of Health
Classification: Likely benign for Juvenile polyposis syndrome. Last evaluated: 2023-12-13. Review status: criteria provided, single submitter. Criteria: ACMG Guidelines, 2015. Collection method: clinical testing. Allele origin: germline. Inheritance: Autosomal dominant inheritance. Observed: 17 variant alleles, 17 heterozygotes.
Comment: This study involves interpretation of variants in research participants for the purpose of population health screening. Participant phenotype was not available at the time of variant classification. Additional details can be found in publication PMID: 35346344, PMCID: PMC8962531

Quest Diagnostics Nichols Institute San Juan Capistrano
Classification: Likely benign. Last evaluated: 2023-03-08. Review status: criteria provided, single submitter. Criteria: Quest Diagnostics criteria. Collection method: clinical testing. Allele origin: unknown.

Sema4
Classification: Likely benign for Hereditary cancer-predisposing syndrome. Last evaluated: 2020-09-25. Review status: criteria provided, single submitter. Criteria: Sema4 Curation Guidelines. Collection method: curation. Allele origin: germline.

Women's Health and Genetics/Laboratory Corporation of America, LabCorp
Classification: Benign. Last evaluated: 2017-07-06. Review status: criteria provided, single submitter. Criteria: LabCorp Variant Classification Summary - May 2015. Collection method: clinical testing. Allele origin: germline.
Comment: Variant summary: The BMPR1A c.682C>A (p.Arg228Arg) variant involves the alteration of a conserved nucleotide, resulting in a synonymous change. One in silico tool predicts a damaging outcome for this variant. 5/5 splice prediction tools predict no significant impact on normal splicing. ESE finder predicts that this variant may affect ESE sites. However, these predictions have yet to be confirmed by functional studies. This variant was found in 5/119922 control chromosomes, predominantly observed in the European (Non-Finnish) subpopulation at a frequency of 0.000076 (5/65736). This frequency is about 38 times the estimated maximal expected allele frequency of a pathogenic BMPR1A variant (0.000002), suggesting this is likely a benign polymorphism found primarily in the populations of European (Non-Finnish) origin. In addition, multiple clinical diagnostic laboratories/reputable databases classified this variant as likely benign. The variant of interest has not, to our knowledge, been reported in affected individuals via publications; nor evaluated for functional impact by in vivo/vitro studies. Taken together, this variant is classified as benign.

Color Diagnostics, LLC DBA Color Health
Classification: Likely benign for Hereditary cancer-predisposing syndrome. Last evaluated: 2016-07-05. Review status: criteria provided, single submitter. Criteria: ACMG Guidelines, 2015. Collection method: clinical testing. Allele origin: germline.

GeneDx
Classification: Benign. Last evaluated: 2015-09-15. Review status: criteria provided, single submitter. Criteria: GeneDx Variant Classification (06012015). Collection method: clinical testing. Allele origin: germline. Affected: yes.
Comment: This variant is considered likely benign or benign based on one or more of the following criteria: it is a conservative change, it occurs at a poorly conserved position in the protein, it is predicted to be benign by multiple in silico algorithms, and/or has population frequency not consistent with disease.

Ambry Genetics
Classification: Likely benign for Hereditary cancer-predisposing syndrome. Last evaluated: 2015-02-06. Review status: criteria provided, single submitter. Criteria: Ambry Variant Classification Scheme 2023. Collection method: clinical testing. Allele origin: germline.

PreventionGenetics, part of Exact Sciences
Classification: Likely benign for BMPR1A-related condition. Last evaluated: 2020-11-13. Review status: no assertion criteria provided. Collection method: clinical testing. Allele origin: germline. Not counted in ClinVar's aggregate classification.
Comment: This variant is classified as likely benign based on ACMG/AMP sequence variant interpretation guidelines (Richards et al. 2015 PMID: 25741868, with internal and published modifications).

NM_004329.3(BMPR1A):c.682C>A (p.Arg228=)

Gene: BMPR1A (bone morphogenetic protein receptor type 1A; plus strand). Cytogenetic location: 10q23.2.
Variant type: single nucleotide variant.
Coding change: c.682C>A on transcript NM_004329.3 (MANE Select); coding-DNA position 682, C replaced by A.
Protein change: p.Arg228=; no amino-acid change (arginine 228 retained).
Molecular consequence: synonymous variant.
Genome position (GRCh38, 1-based): chr10:86,917,140, C>A. VCF-style: chr10-86917140-C-A. GRCh37 (hg19) VCF-style: chr10-88676897-C-A.
Identifiers: ClinVar variation 184370 (VCV000184370.25), dbSNP rs587782682, ClinGen allele CA188766.